The following is an entry in ClinVar:

NM_001089.3(ABCA3):c.2878T>G (p.Leu960Val)

Gene: ABCA3 (ATP binding cassette subfamily A member 3; minus strand). Cytogenetic location: 16p13.3.
Variant type: single nucleotide variant.
Coding change: c.2878T>G on transcript NM_001089.3 (MANE Select); coding-DNA position 2878, T replaced by G.
Protein change: p.Leu960Val; replaces leucine 960 with valine.
Molecular consequence: missense variant.
Genome position (GRCh38, 1-based): chr16:2,288,152, A>C on the plus strand (T>G on the coding strand, the complement: ABCA3 is on the minus strand). VCF-style: chr16-2288152-A-C. GRCh37 (hg19) VCF-style: chr16-2338153-A-C.
Other names: short protein forms L960V.
Identifiers: ClinVar variation 4761950 (VCV004761950.1).

ClinVar aggregate classification (germline): Uncertain significance (1 of 4 stars; one submission).

Submission:

Labcorp Genetics (formerly Invitae), Labcorp
Classification: Uncertain significance. Last evaluated: 2025-03-31. Review status: criteria provided, single submitter. Criteria: Invitae Variant Classification Sherloc (09022015). Collection method: clinical testing. Allele origin: germline.
Comment: This sequence change replaces leucine, which is neutral and non-polar, with valine, which is neutral and non-polar, at codon 960 of the ABCA3 protein (p.Leu960Val). This variant is not present in population databases (gnomAD no frequency). This variant has not been reported in the literature in individuals affected with ABCA3-related conditions. Invitae Evidence Modeling of protein sequence and biophysical properties (such as structural, functional, and spatial information, amino acid conservation, physicochemical variation, residue mobility, and thermodynamic stability) has been performed for this missense variant. However, the output from this modeling did not meet the statistical confidence thresholds required to predict the impact of this variant on ABCA3 protein function. This variant disrupts the p.Leu960 amino acid residue in ABCA3. Other variant(s) that disrupt this residue have been determined to be pathogenic (PMID: 16641205, 23625987, 24871971). This suggests that this residue is clinically significant, and that variants that disrupt this residue are likely to be disease-causing. In summary, the available evidence is currently insufficient to determine the role of this variant in disease. Therefore, it has been classified as a Variant of Uncertain Significance.

Literature cited by the submitters: PubMed 16641205; PubMed 23625987; PubMed 24871971.